The following is an entry in ClinVar:

NM_001161352.2(KCNMA1):c.1090C>T (p.Leu364Phe)

Gene: KCNMA1 (potassium calcium-activated channel subfamily M alpha 1; minus strand). Cytogenetic location: 10q22.3.
Variant type: single nucleotide variant.
Coding change: c.1090C>T on transcript NM_001161352.2 (MANE Select); coding-DNA position 1090, C replaced by T.
Protein change: p.Leu364Phe; replaces leucine 364 with phenylalanine.
Molecular consequence: missense variant.
Genome position (GRCh38, 1-based): chr10:77,110,214, G>A on the plus strand (C>T on the coding strand, the complement: KCNMA1 is on the minus strand). VCF-style: chr10-77110214-G-A. GRCh37 (hg19) VCF-style: chr10-78869972-G-A.
Other names: c.1090C>T, p.Leu364Phe (NM_001014797.3, NM_001161353.2, NM_001271519.2 and 9 more transcripts); c.928C>T, p.Leu310Phe (NM_001271518.2); c.550C>T, p.Leu184Phe (NM_001322838.2); c.1222C>T, p.Leu408Phe (NM_001437422.1); short protein forms L364F, L184F, L310F, L408F.
Identifiers: ClinVar variation 4762328 (VCV004762328.1).

ClinVar aggregate classification (germline): Uncertain significance (1 of 4 stars; one submission).

Conditions:
Generalized epilepsy-paroxysmal dyskinesia syndrome (PNKD3). Also called: Generalized epilepsy and paroxysmal dyskinesia; Paroxysmal nonkinesigenic dyskinesia, 3, with or without generalized epilepsy. Identifiers: Orphanet 79137, MedGen C5574945, MONDO:0012276, OMIM 609446.

Submission:

Labcorp Genetics (formerly Invitae), Labcorp
Classification: Uncertain significance for Generalized epilepsy-paroxysmal dyskinesia syndrome. Last evaluated: 2025-12-21. Review status: criteria provided, single submitter. Criteria: Invitae Variant Classification Sherloc (09022015). Collection method: clinical testing. Allele origin: germline.
Comment: This sequence change replaces leucine, which is neutral and non-polar, with phenylalanine, which is neutral and non-polar, at codon 364 of the KCNMA1 protein (p.Leu364Phe). This variant is not present in population databases (gnomAD no frequency). This variant has not been reported in the literature in individuals affected with KCNMA1-related conditions. Invitae Evidence Modeling of protein sequence and biophysical properties (such as structural, functional, and spatial information, amino acid conservation, physicochemical variation, residue mobility, and thermodynamic stability) indicates that this missense variant is not expected to disrupt KCNMA1 protein function with a negative predictive value of 80%. In summary, the available evidence is currently insufficient to determine the role of this variant in disease. Therefore, it has been classified as a Variant of Uncertain Significance.